The following is an entry in ClinVar:

ClinVar aggregate classification (oncogenicity): Likely oncogenic (1 of 4 stars; one submission).

Conditions:
Meningioma. Also called: Meningioma, somatic. Identifiers: Orphanet 2495, MedGen C0025286, MONDO:0016642, HP:0002858.

Submission:

Dr. Guy Rouleau's laboratory, McGill University
Classification: Likely oncogenic for Meningioma. Last evaluated: 2025-03-30. Review status: criteria provided, single submitter. Criteria: ClinGen/CGC/VICC Guidelines for Oncogenicity, 2022. Collection method: research. Allele origin: somatic. Affected: yes.
Comment: This missense variant, located at position 563 in the TRAF7 gene, results in the substitution of Tyrosine (Y), an aromatic amino acid, with Cysteine (C), a sulfur-containing amino acid. This somatic variant was identified in a paired tumor-blood sequencing study of meningiomas. Functional studies have demonstrated that this variant acts as a dominant negative by dimerizing with wild-type TRAF7 and disrupting its function (PMID: 37043537). It has been reported in meningiomas (PMIDs: 23348505, 23404370, 28177878, 31963394, 35984495). However, this variant has not been documented in population databases (gnomAD v2.1.1: no frequency). Due to insufficient evidence, the clinical significance of this variant remains unknown.

NM_032271.3(TRAF7):c.1688A>G (p.Tyr563Cys)

Gene: TRAF7 (TNF receptor associated factor 7; plus strand). Cytogenetic location: 16p13.3.
Variant type: single nucleotide variant.
Coding change: c.1688A>G on transcript NM_032271.3 (MANE Select); coding-DNA position 1688, A replaced by G.
Protein change: p.Tyr563Cys; replaces tyrosine 563 with cysteine.
Molecular consequence: missense variant.
Genome position (GRCh38, 1-based): chr16:2,175,895, A>G. VCF-style: chr16-2175895-A-G. GRCh37 (hg19) VCF-style: chr16-2225896-A-G.
Other names: short protein forms Y563C.
Identifiers: ClinVar variation 3897752 (VCV003897752.1).